The following is an entry in ClinVar:

ClinVar aggregate classification (germline): Uncertain significance (1 of 4 stars; one submission).

Conditions:
NKX2-2-related disorder. Also called: NKX2-2-related condition.

Submission:

PreventionGenetics, part of Exact Sciences
Classification: Uncertain significance for NKX2-2-related condition. Last evaluated: 2023-07-31. Review status: criteria provided, single submitter. Criteria: ACMG Guidelines, 2015. Collection method: clinical testing. Allele origin: germline.
Comment: The NKX2-2 c.524G>A variant is predicted to result in premature protein termination (p.Trp175*). This variant is located in the last exon of NKX2-2, and therefore may not undergo nonsense-mediated decay. To our knowledge, this variant has not been reported in the literature or in a large population database, indicating this variant is rare. At this time, the clinical significance of this variant is uncertain due to the absence of conclusive functional and genetic evidence.

NM_002509.4(NKX2-2):c.524G>A (p.Trp175Ter)

Gene: NKX2-2 (NK2 homeobox 2; minus strand). Cytogenetic location: 20p11.22.
Variant type: single nucleotide variant.
Coding change: c.524G>A on transcript NM_002509.4 (MANE Select); coding-DNA position 524, G replaced by A.
Protein change: p.Trp175Ter; replaces tryptophan 175 with a stop codon.
Molecular consequence: nonsense.
Genome position (GRCh38, 1-based): chr20:21,512,221, C>T on the plus strand (G>A on the coding strand, the complement: NKX2-2 is on the minus strand). VCF-style: chr20-21512221-C-T. GRCh37 (hg19) VCF-style: chr20-21492859-C-T.
Other names: c.311G>A, p.Trp104Ter (NM_001424411.1); c.524G>A, p.Trp175Ter (NM_001424412.1); short protein forms W104*, W175*.
Identifiers: ClinVar variation 2631631 (VCV002631631.1), dbSNP rs2514699506, ClinGen allele CA408494894.